The following is an entry in ClinVar:

ClinVar aggregate classification (germline): Uncertain significance (1 of 4 stars; one submission).

Conditions:
Hereditary cancer-predisposing syndrome. Also called: Hereditary Cancer Syndrome; Hereditary neoplastic syndrome; Neoplastic Syndromes, Hereditary; Tumor predisposition. Identifiers: Orphanet 140162, MedGen C0027672, MeSH D009386, MONDO:0015356.

Submission:

Ambry Genetics
Classification: Uncertain significance for Hereditary cancer-predisposing syndrome. Last evaluated: 2020-10-02. Review status: criteria provided, single submitter. Criteria: Ambry Variant Classification Scheme 2023. Collection method: clinical testing. Allele origin: germline.
Comment: The p.L332V variant (also known as c.994C>G), located in coding exon 8 of the BMPR1A gene, results from a C to G substitution at nucleotide position 994. The leucine at codon 332 is replaced by valine, an amino acid with highly similar properties. This amino acid position is highly conserved in available vertebrate species. In addition, the in silico prediction for this alteration is inconclusive. This missense alteration is located in a region that has a low rate of benign missense variation (Lek M et al. Nature. 2016 Aug 18;536(7616):285-91; DECIPHER: Database of Chromosomal Imbalance and Phenotype in Humans using Ensembl Resources. Firth H.V. et al. 2009. Am.J.Hum.Genet. 84, 524-533 (DOI)). Since supporting evidence is limited at this time, the clinical significance of this alteration remains unclear.

NM_004329.3(BMPR1A):c.994C>G (p.Leu332Val)

Gene: BMPR1A (bone morphogenetic protein receptor type 1A; plus strand). Cytogenetic location: 10q23.2.
Variant type: single nucleotide variant.
Coding change: c.994C>G on transcript NM_004329.3 (MANE Select); coding-DNA position 994, C replaced by G.
Protein change: p.Leu332Val; replaces leucine 332 with valine.
Molecular consequence: missense variant.
Genome position (GRCh38, 1-based): chr10:86,919,297, C>G. VCF-style: chr10-86919297-C-G. GRCh37 (hg19) VCF-style: chr10-88679054-C-G.
Other names: c.1069C>G, p.Leu357Val (NM_001406559.1); c.1042C>G, p.Leu348Val (NM_001406560.1); c.994C>G, p.Leu332Val (NM_001406561.1, NM_001406562.1, NM_001406563.1 and 19 more transcripts); c.988C>G, p.Leu330Val (NM_001406583.1); c.910C>G, p.Leu304Val (NM_001406584.1, NM_001406585.1, NM_001406586.1 and 2 more transcripts); c.652C>G, p.Leu218Val (NM_001406589.1); short protein forms L330V, L348V, L357V, L304V, L218V, L332V.
Identifiers: ClinVar variation 1768691 (VCV001768691.2), dbSNP rs2133591377, ClinGen allele CA377460453.